The following is an entry in ClinVar:

ClinVar aggregate classification (germline): Uncertain significance. Review status: criteria provided, multiple submitters, no conflicts (2 of 4 stars). 3 submissions from 3 submitters: Uncertain significance (3). Last evaluated 2024-05-01.

Conditions:
Fanconi anemia complementation group E (FANCE). Also called: FANCE-Related Fanconi Anemia. Identifiers: Orphanet 84, MedGen C3160739, MONDO:0010953, OMIM 600901.

Allele frequency attached by ClinVar (database versions not stated): ExAC 0.00001; gnomAD exomes 0.00001 and 0.00002; gnomAD 0.00004; TOPMed 0.00005.
gnomAD v4.1: 21 of 1,614,042 alleles (0.0013%); highest among the groups gnomAD compares: Middle Eastern, 0.016%; no homozygotes.

Submissions (3):

Fulgent Genetics
Classification: Uncertain significance for Fanconi anemia complementation group E. Last evaluated: 2024-05-01. Review status: criteria provided, single submitter. Criteria: ACMG Guidelines, 2015. Collection method: clinical testing. Allele origin: germline.

Labcorp Genetics (formerly Invitae), Labcorp
Classification: Uncertain significance for Fanconi anemia complementation group E. Last evaluated: 2022-10-05. Review status: criteria provided, single submitter. Criteria: Invitae Variant Classification Sherloc (09022015). Collection method: clinical testing. Allele origin: germline.
Comment: This sequence change replaces glutamic acid, which is acidic and polar, with lysine, which is basic and polar, at codon 318 of the FANCE protein (p.Glu318Lys). This variant is present in population databases (rs754914337, gnomAD 0.01%). This variant has not been reported in the literature in individuals affected with FANCE-related conditions. ClinVar contains an entry for this variant (Variation ID: 1338153). Advanced modeling of protein sequence and biophysical properties (such as structural, functional, and spatial information, amino acid conservation, physicochemical variation, residue mobility, and thermodynamic stability) performed at Invitae indicates that this missense variant is expected to disrupt FANCE protein function. In summary, the available evidence is currently insufficient to determine the role of this variant in disease. Therefore, it has been classified as a Variant of Uncertain Significance.

Genetic Services Laboratory, University of Chicago
Classification: Uncertain significance. Last evaluated: 2021-12-01. Review status: criteria provided, single submitter. Criteria: ACMG Guidelines, 2015. Collection method: clinical testing. Allele origin: germline. Affected: no.
Comment: DNA sequence analysis of the FANCE gene demonstrated a sequence change, c.952G>A, in exon 4 that results in an amino acid change, p.Glu318Lys. This sequence change has been described in the gnomAD database with a frequency of 0.012% in the Latino/admixed American subpopulation (dbSNP rs754914337). The p.Glu318Lys change affects a moderately conserved amino acid residue located in a domain of the FANCE protein that is known to be functional. In-silico pathogenicity prediction tools (SIFT, PolyPhen2, Align GVGD, REVEL) provide contradictory results for the p.Glu318Lys substitution. This sequence change does not appear to have been previously described in individuals with FANCE-related disorders. Due to insufficient evidences and the lack of functional studies, the clinical significance of the p.Glu318Lys change remains unknown at this time.

NM_021922.3(FANCE):c.952G>A (p.Glu318Lys)

Gene: FANCE (FA complementation group E; plus strand). Cytogenetic location: 6p21.31.
Variant type: single nucleotide variant.
Coding change: c.952G>A on transcript NM_021922.3 (MANE Select); coding-DNA position 952, G replaced by A.
Protein change: p.Glu318Lys; replaces glutamic acid 318 with lysine.
Molecular consequence: missense variant.
Genome position (GRCh38, 1-based): chr6:35,457,967, G>A. VCF-style: chr6-35457967-G-A. GRCh37 (hg19) VCF-style: chr6-35425744-G-A.
Other names: short protein forms E318K.
Identifiers: ClinVar variation 1338153 (VCV001338153.7), dbSNP rs754914337, ClinGen allele CA3771543.